The following is an entry in ClinVar:

NM_000350.3(ABCA4):c.1368dup (p.Asn457fs)

Gene: ABCA4 (ATP binding cassette subfamily A member 4; minus strand). Cytogenetic location: 1p22.1.
Variant type: Duplication.
Coding change: c.1368dup on transcript NM_000350.3 (MANE Select); coding-DNA position 1368, one base duplicated (G; older notation c.1368dupG).
Protein change: p.Asn457fs; shifts the reading frame from asparagine 457.
Molecular consequence: frameshift variant.
Genome position (GRCh38, 1-based): chr1:94,077,876, C duplicated on the plus strand (G on the coding strand, the reverse complement: ABCA4 is on the minus strand); the first of 4 consecutive C bases (chr1:94,077,876-94,077,879); duplicating any one gives the same sequence. VCF-style (leftmost placement, unchanged base first): chr1-94077875-T-TC. GRCh37 (hg19) VCF-style: chr1-94543431-T-TC.
Other names: c.1365dup, p.Asn457Glufs (NM_001425324.1); short protein forms N457fs.
Identifiers: ClinVar variation 1070984 (VCV001070984.9), dbSNP rs2101101390, ClinGen allele CA2499214900.
Genomic context (GRCh38, chr1:94,077,875, plus strand): 5'-CTTCAGCAGTAATACCTTCTTCACCAAGCTGCCTATTCAAAAAGTCTTTTACTGTTGGGT[T>TC]CCCCAGGGTATCCTTGGGAAGAAGAAATACAGTCACTGCTCTGCTTAGAAATTCCATAGG-3'

ClinVar aggregate classification (germline): Pathogenic (1 of 4 stars; one submission).

Submission:

Labcorp Genetics (formerly Invitae), Labcorp
Classification: Pathogenic. Last evaluated: 2020-09-11. Review status: criteria provided, single submitter. Criteria: Invitae Variant Classification Sherloc (09022015). Collection method: clinical testing. Allele origin: germline.
Comment: For these reasons, this variant has been classified as Pathogenic. Loss-of-function variants in ABCA4 are known to be pathogenic (PMID: 10958761, 24938718, 25312043, 26780318). This variant has been observed in individual(s) with Stargardt disease (Invitae). This variant is not present in population databases (ExAC no frequency). This sequence change creates a premature translational stop signal (p.Asn457Glufs*10) in the ABCA4 gene. It is expected to result in an absent or disrupted protein product.

Literature cited by the submitters: PubMed 10958761; PubMed 24938718; PubMed 25312043; PubMed 26780318.